The following is an entry in ClinVar:

ClinVar aggregate classification (germline): Uncertain significance (1 of 4 stars; one submission).

Conditions:
Neuromuscular disease caused by qualitative or quantitative defects of dysferlin. Also called: Qualitative or quantitative defects of dysferlin; Dysferlinopathy. Identifiers: Orphanet 207073, MedGen C2931687, MONDO:0016145.

gnomAD v4.1: 1 of 1,614,214 alleles (0.000062%); no homozygotes.

Submission:

Labcorp Genetics (formerly Invitae), Labcorp
Classification: Uncertain significance for Neuromuscular disease caused by qualitative or quantitative defects of dysferlin. Last evaluated: 2022-03-03. Review status: criteria provided, single submitter. Criteria: Invitae Variant Classification Sherloc (09022015). Collection method: clinical testing. Allele origin: germline.
Comment: In summary, the available evidence is currently insufficient to determine the role of this variant in disease. Therefore, it has been classified as a Variant of Uncertain Significance. This sequence change replaces proline, which is neutral and non-polar, with leucine, which is neutral and non-polar, at codon 1564 of the DYSF protein (p.Pro1564Leu). This variant is not present in population databases (gnomAD no frequency). This variant has not been reported in the literature in individuals affected with DYSF-related conditions. ClinVar contains an entry for this variant (Variation ID: 958670). Algorithms developed to predict the effect of missense changes on protein structure and function are either unavailable or do not agree on the potential impact of this missense change (SIFT: "Deleterious"; PolyPhen-2: "Possibly Damaging"; Align-GVGD: "Class C0").

NM_001130987.2(DYSF):c.4808C>T (p.Pro1603Leu)

Gene: DYSF (dysferlin; plus strand). Cytogenetic location: 2p13.2.
Variant type: single nucleotide variant.
Coding change: c.4808C>T on transcript NM_001130987.2 (MANE Select); coding-DNA position 4808, C replaced by T.
Protein change: p.Pro1603Leu; replaces proline 1603 with leucine.
Molecular consequence: missense variant.
Genome position (GRCh38, 1-based): chr2:71,658,930, C>T. VCF-style: chr2-71658930-C-T. GRCh37 (hg19) VCF-style: chr2-71886060-C-T.
Other names: c.4694C>T, p.Pro1565Leu (NM_001130455.2); c.4649C>T, p.Pro1550Leu (NM_001130976.2); c.4712C>T, p.Pro1571Leu (NM_001130977.2); c.4754C>T, p.Pro1585Leu (NM_001130978.2); c.4784C>T, p.Pro1595Leu (NM_001130979.2); c.4742C>T, p.Pro1581Leu (NM_001130980.2); c.4805C>T, p.Pro1602Leu (NM_001130981.2); c.4691C>T, p.Pro1564Leu (NM_003494.4); and 5 more; short protein forms P1581L, P1586L, P1602L, P1603L, P1550L, P1596L, P1565L, P1571L.
Identifiers: ClinVar variation 958670 (VCV000958670.8), dbSNP rs2094827462, ClinGen allele CA347219704.
Genomic context (GRCh38, chr2:71,658,930, plus strand): 5'-CTTTTCAGGGCCTCTTCAAAATTTATCCCCTCCCAGAAGACCCAGCCATCCCCATGCCCC[C>T]AAGACAGTTCCACCAGCTGGCCGCCCAGGGACCCCAGGAGTGCTTGGTCCGTATCTACAT-3'
Protein context (NP_001124459.1, residues 1593-1613): LPEDPAIPMP[Pro1603Leu]RQFHQLAAQG